The following is an entry in ClinVar:

NM_001458.5(FLNC):c.548G>A (p.Arg183His)

Gene: FLNC (filamin C; plus strand). Cytogenetic location: 7q32.1.
Variant type: single nucleotide variant.
Coding change: c.548G>A on transcript NM_001458.5 (MANE Select); coding-DNA position 548, G replaced by A.
Protein change: p.Arg183His; replaces arginine 183 with histidine.
Molecular consequence: missense variant.
Genome position (GRCh38, 1-based): chr7:128,835,521, G>A. VCF-style: chr7-128835521-G-A. GRCh37 (hg19) VCF-style: chr7-128475575-G-A.
Other names: c.548G>A, p.Arg183His (NM_001127487.2); short protein forms R183H.
Identifiers: ClinVar variation 840119 (VCV000840119.8), dbSNP rs747837803, ClinGen allele CA4474050.

ClinVar aggregate classification (germline): Conflicting classifications of pathogenicity. Review status: criteria provided, conflicting classifications (1 of 4 stars). 2 submissions from 2 submitters: Uncertain significance (1); Likely benign (1). Last evaluated 2026-01-08.

Conditions:
Cardiovascular phenotype. Identifiers: MedGen CN230736.
Myofibrillar myopathy 5. Also called: Filaminopathy (type); FILAMINOPATHY, AUTOSOMAL DOMINANT. Identifiers: Orphanet 171445, MedGen C1836050, MONDO:0012289, OMIM 609524.
Hypertrophic cardiomyopathy 26. Also called: Cardiomyopathy, familial hypertrophic, 26. Identifiers: Orphanet 75249, MedGen C4310749, MONDO:0014883, OMIM 617047.
Distal myopathy with posterior leg and anterior hand involvement. Also called: WILLIAMS DISTAL MYOPATHY. Identifiers: Orphanet 63273, MedGen C3279722, MONDO:0013550, OMIM 614065.

Allele frequency attached by ClinVar (database versions not stated): gnomAD 0.00001; gnomAD exomes 0.00001 and 0.00002; TOPMed 0.00001; ExAC 0.00003; 1000 Genomes Project 30x 0.00016.
gnomAD v4.1: 21 of 1,613,642 alleles (0.0013%); highest among the groups gnomAD compares: South Asian, 0.0066%; no homozygotes.

Submissions (2):

Labcorp Genetics (formerly Invitae), Labcorp
Classification: Likely benign for Distal myopathy with posterior leg and anterior hand involvement; Myofibrillar myopathy 5; Hypertrophic cardiomyopathy 26. Last evaluated: 2026-01-08. Review status: criteria provided, single submitter. Criteria: Invitae Variant Classification Sherloc (09022015). Collection method: clinical testing. Allele origin: germline.

Ambry Genetics
Classification: Uncertain significance for Cardiovascular phenotype. Last evaluated: 2023-01-18. Review status: criteria provided, single submitter. Criteria: Ambry Variant Classification Scheme 2023. Collection method: clinical testing. Allele origin: germline.
Comment: The p.R183H variant (also known as c.548G>A), located in coding exon 2 of the FLNC gene, results from a G to A substitution at nucleotide position 548. The arginine at codon 183 is replaced by histidine, an amino acid with highly similar properties. This amino acid position is well conserved in available vertebrate species. In addition, this alteration is predicted to be tolerated by in silico analysis. Since supporting evidence is limited at this time, the clinical significance of this alteration remains unclear.